The following is an entry in ClinVar:

ClinVar aggregate classification (germline): Uncertain significance (1 of 4 stars; one submission).

Submission:

GeneDx
Classification: Uncertain significance. Last evaluated: 2025-06-11. Review status: criteria provided, single submitter. Criteria: GeneDx Variant Classification Process June 2021. Collection method: clinical testing. Allele origin: germline. Affected: yes.
Comment: Not observed at significant frequency in large population cohorts (gnomAD); Has not been previously published as pathogenic or benign to our knowledge; Frameshift variant predicted to result in protein truncation or nonsense mediated decay in a gene for which loss-of-function is not an established mechanism of disease

NM_001257291.2(SLC9A7):c.664dup (p.Ser222fs)

Gene: SLC9A7 (solute carrier family 9 member A7; minus strand). Cytogenetic location: Xp11.3.
Variant type: Duplication.
Coding change: c.664dup on transcript NM_001257291.2 (MANE Select); coding-DNA position 664, one base duplicated (T; older notation c.664dupT).
Protein change: p.Ser222fs; shifts the reading frame from serine 222.
Molecular consequence: frameshift variant.
Genome position (GRCh38, 1-based): chrX:46,672,567, A duplicated on the plus strand (T on the coding strand, the reverse complement: SLC9A7 is on the minus strand); the first of 3 consecutive A bases (chrX:46,672,567-46,672,569); duplicating any one gives the same sequence. VCF-style (leftmost placement, unchanged base first): chrX-46672566-G-GA. GRCh37 (hg19) VCF-style: chrX-46532001-G-GA.
Other names: c.664dup, p.Ser222fs (NM_032591.3); short protein forms S222fs.
Identifiers: ClinVar variation 4537711 (VCV004537711.1).
Genomic context (GRCh38, chrX:46,672,566, plus strand): 5'-TATGGAACGTGTGTTAATTTGGTTATATGACAAAGGTTCACTTACCCAATAATGAAGCAT[G>GA]AAACAGCAGTCCCCAAGAAGGCATAGGCCAGTATAGATCCAAGATTTCTGAAAAAGTGTC-3'